The following is an entry in ClinVar:

NM_001853.4(COL9A3):c.773C>T (p.Pro258Leu)

Gene: COL9A3 (collagen type IX alpha 3 chain; plus strand). Cytogenetic location: 20q13.33.
Variant type: single nucleotide variant.
Coding change: c.773C>T on transcript NM_001853.4 (MANE Select); coding-DNA position 773, C replaced by T.
Protein change: p.Pro258Leu; replaces proline 258 with leucine.
Molecular consequence: missense variant.
Genome position (GRCh38, 1-based): chr20:62,826,801, C>T. VCF-style: chr20-62826801-C-T. GRCh37 (hg19) VCF-style: chr20-61458153-C-T.
Other names: short protein forms P258L.
Identifiers: ClinVar variation 1013649 (VCV001013649.8), dbSNP rs144996897, ClinGen allele CA9949491.

ClinVar aggregate classification (germline): Uncertain significance (1 of 4 stars; one submission).

Allele frequency attached by ClinVar (database versions not stated): ExAC 0.00002; gnomAD exomes 0.00002; ESP Exome Variant Server 0.00008; gnomAD 0.00014 and 0.00015; TOPMed 0.00014.
gnomAD v4.1: 40 of 1,612,694 alleles (0.0025%); highest among the groups gnomAD compares: African/African-American, 0.052%; no homozygotes.

Submission:

Labcorp Genetics (formerly Invitae), Labcorp
Classification: Uncertain significance. Last evaluated: 2024-11-16. Review status: criteria provided, single submitter. Criteria: Invitae Variant Classification Sherloc (09022015). Collection method: clinical testing. Allele origin: germline.
Comment: This sequence change replaces proline, which is neutral and non-polar, with leucine, which is neutral and non-polar, at codon 258 of the COL9A3 protein (p.Pro258Leu). This variant is present in population databases (rs144996897, gnomAD 0.03%). This variant has not been reported in the literature in individuals affected with COL9A3-related conditions. ClinVar contains an entry for this variant (Variation ID: 1013649). Invitae Evidence Modeling of protein sequence and biophysical properties (such as structural, functional, and spatial information, amino acid conservation, physicochemical variation, residue mobility, and thermodynamic stability) indicates that this missense variant is not expected to disrupt COL9A3 protein function with a negative predictive value of 95%. In summary, the available evidence is currently insufficient to determine the role of this variant in disease. Therefore, it has been classified as a Variant of Uncertain Significance.